The following is an entry in ClinVar:

NM_015102.5(NPHP4):c.2272C>T (p.Leu758=)

Gene: NPHP4 (nephrocystin 4; minus strand). Cytogenetic location: 1p36.31.
Variant type: single nucleotide variant.
Coding change: c.2272C>T on transcript NM_015102.5 (MANE Select); coding-DNA position 2272, C replaced by T.
Protein change: p.Leu758=; no amino-acid change (leucine 758 retained).
Molecular consequence: synonymous variant. On other transcripts: non-coding transcript variant (1).
Genome position (GRCh38, 1-based): chr1:5,890,900, G>A on the plus strand (C>T on the coding strand, the complement: NPHP4 is on the minus strand). VCF-style: chr1-5890900-G-A. GRCh37 (hg19) VCF-style: chr1-5950960-G-A.
Other names: c.733C>T, p.Leu245= (NM_001291593.2); c.736C>T, p.Leu246= (NM_001291594.2).
Identifiers: ClinVar variation 3052212 (VCV003052212.2), dbSNP rs2523685729, ClinGen allele CA415792355.
Genomic context (GRCh38, chr1:5,890,900, plus strand): 5'-TGTGCCTGTCCTTCCAGAGAGCCGCTACCTTCATCTGGACGGCAGCAGATCCGATGAGCA[G>A]CAGGGAGTCTCCGTCCCAGACGTCAATCTGCAGGGTCTGCACGGCCAGGTAGCGGGCAAA-3'
Protein context (NP_055917.1, residues 748-768): QIDVWDGDSL[Leu758=]LIGSAAVQMK

ClinVar aggregate classification (germline): Likely benign (0 of 4 stars; one submission).

Conditions:
NPHP4-related disorder. Also called: NPHP4-related disorders; NPHP4-related condition. Identifiers: MedGen CN239384.

Submission:

PreventionGenetics, part of Exact Sciences
Classification: Likely benign for NPHP4-related condition. Last evaluated: 2022-10-31. Review status: no assertion criteria provided. Collection method: clinical testing. Allele origin: germline.
Comment: This variant is classified as likely benign based on ACMG/AMP sequence variant interpretation guidelines (Richards et al. 2015 PMID: 25741868, with internal and published modifications).